The following is an entry in ClinVar:

ClinVar aggregate classification (germline): Uncertain significance (1 of 4 stars; one submission).

Submission:

Laboratory for Molecular Medicine, Mass General Brigham Personalized Medicine
Classification: Uncertain significance. Last evaluated: 2017-09-12. Review status: criteria provided, single submitter. Criteria: LMM Criteria. Collection method: clinical testing. Allele origin: germline. Observed: 4 variant alleles.
Comment: Variant classified as Uncertain Significance - Favor Benign. The p.Lys15140Val v ariant in TTN is caused by two adjacent nucleotide changes (c.45418A>G and c.454 19A>T) that are present in cis (on the same chromosome). This complex allele has been reported by our laboratory in 2 individuals (1 adult with HCM and 1 child with RCM), both of whom harbor pathogenic variants in other genes responsible fo r their symptoms. The c.45418A>G variant has been reported in 72/125502 European chromosomes and the c.45419A>T variant has been reported in 5% (1276/25784) of European chromosomes by the Genome Aggregation Database (dbSNP rs185913848 and rs2303832). Computational prediction tools and conservation analysis suggest that the p.Lys15140Val variant may not impact the protein, though this information is not predictive enough to rule out pathogeni city. Additionally, the variant amino acid, valine (Val), is present in at leas t >10 bird species and several reptiles and fish species. In summary, while the clinical significance of the p.Lys15140Val variant is uncertain, collectively th ese data suggest that the p.Lys15150Val variant is more likely to be benign.

NM_133378.4(TTN):c.[45418A>G;45419A>T]

Variant type: Haplotype.
Identifiers: ClinVar variation 179465 (VCV000179465.6).